The following is an entry in ClinVar:

ClinVar aggregate classification (germline): Pathogenic. Review status: criteria provided, multiple submitters, no conflicts (2 of 4 stars). 2 submissions from 2 submitters: Pathogenic (2). Last evaluated 2024-01-10.

Conditions:
Hereditary cancer-predisposing syndrome. Also called: Tumor predisposition; Hereditary neoplastic syndrome; Neoplastic Syndromes, Hereditary; Hereditary Cancer Syndrome. Identifiers: Orphanet 140162, MedGen C0027672, MeSH D009386, MONDO:0015356.
Lynch syndrome 5 (LYNCH5). Also called: Colorectal cancer, hereditary nonpolyposis, type 5; Hereditary non-polyposis colorectal cancer, type 5. Identifiers: Orphanet 144, MedGen C1833477, MONDO:0013710, OMIM 614350. Disease mechanism: loss of function.

Submissions (2):

Ambry Genetics
Classification: Pathogenic for Hereditary cancer-predisposing syndrome. Last evaluated: 2024-01-10. Review status: criteria provided, single submitter. Criteria: Ambry Variant Classification Scheme 2023. Collection method: clinical testing. Allele origin: germline.
Comment: The c.1437delA pathogenic mutation, located in coding exon 4 of the MSH6 gene, results from a deletion of one nucleotide at nucleotide position 1437, causing a translational frameshift with a predicted alternate stop codon (p.V480*). This alteration is expected to result in loss of function by premature protein truncation or nonsense-mediated mRNA decay. This variant is considered to be rare based on population cohorts in the Genome Aggregation Database (gnomAD). As such, this alteration is interpreted as a disease-causing mutation.

Myriad Genetics, Inc.
Classification: Pathogenic for Lynch syndrome 5. Last evaluated: 2023-08-15. Review status: criteria provided, single submitter. Criteria: Myriad Autosomal Dominant, Autosomal Recessive and X-Linked Classification Criteria (2023). Collection method: clinical testing. Allele origin: unknown.
Comment: This variant is considered pathogenic. This variant creates a termination codon and is predicted to result in premature protein truncation.

NM_000179.3(MSH6):c.1437del (p.Lys479_Val480insTer)

Gene: MSH6 (mutS homolog 6; plus strand). Cytogenetic location: 2p16.3.
Variant type: Deletion.
Coding change: c.1437del on transcript NM_000179.3 (MANE Select); coding-DNA position 1437, one base deleted (A; older notation c.1437delA).
Protein change: p.Lys479_Val480insTer.
Molecular consequence: frameshift variant. On other transcripts: non-coding transcript variant (4), intron variant (1).
Genome position (GRCh38, 1-based): chr2:47,799,420, A deleted; the last of 3 consecutive A bases (chr2:47,799,418-47,799,420); deleting any one gives the same sequence. VCF-style (leftmost placement, unchanged base first): chr2-47799417-TA-T. GRCh37 (hg19) VCF-style: chr2-48026556-TA-T.
Other names: c.1047del, p.Lys349_Val350insTer (NM_001281492.2); c.531del, p.Lys177_Val178insTer (NM_001281493.2, NM_001281494.2, NM_001406811.1 and 6 more transcripts); c.1533del, p.Lys511_Val512insTer (NM_001406795.1, NM_001406802.1); c.1437del, p.Lys479_Val480insTer (NM_001406796.1, NM_001406798.1, NM_001406800.1 and 4 more transcripts); c.1140del, p.Lys380_Val381insTer (NM_001406797.1, NM_001406801.1, NM_001406805.1 and 10 more transcripts); c.912del, p.Lys304_Val305insTer (NM_001406799.1, NM_001406806.1, NM_001406807.1); c.1359del, p.Lys453_Val454insTer (NM_001406804.1); c.1443del, p.Lys481_Val482insTer (NM_001406813.1); and 2 more.
Identifiers: ClinVar variation 2673636 (VCV002673636.2), dbSNP rs2530609508, ClinGen allele CA2695200579.
Genomic context (GRCh38, chr2:47,799,417, plus strand): 5'-TTCTGGCTTTCCTGAAATTGCATTTGGCCGTTATTCAGATTCCCTGGTGCAGAAGGGCTA[TA>T]AAGTAGCACGAGTGGAACAGACTGAGACTCCAGAAATGATGGAGGCACGATGTAGAAAGA-3'